The following is an entry in ClinVar:

ClinVar aggregate classification (germline): Likely pathogenic (1 of 4 stars; one submission).

Conditions:
Neuronopathy, distal hereditary motor, autosomal dominant 11. Also called: NEUROPATHY, DISTAL HEREDITARY MOTOR, 11. Identifiers: MedGen C5882697, MONDO:0957875, OMIM 620528.

Submission:

Variantyx, Inc.
Classification: Likely pathogenic for Neuronopathy, distal hereditary motor, autosomal dominant 11. Last evaluated: 2025-03-26. Review status: criteria provided, single submitter. Criteria: Variantyx Assertion Criteria 2022. Collection method: clinical testing. Allele origin: germline. Affected: yes.
Comment: This is a frameshift variant in the SPTAN1 gene (OMIM: 182810). Pathogenic variants in this gene have been associated with autosomal dominant distal hereditary motor neuronopathy 11. This variant introduces a premature termination codon in exon 48 out of 57. It is expected to result in loss of function, which is a known disease mechanism for SPTAN1 in this disorder (PMID: 31332438, 33206935) (PVS1). This variant is absent from control populations (PM2_Supporting). Algorithms that predict the potential impact of sequence variants on RNA splicing suggest that this variant has conflicting evidence regarding the effect on splicing. This variant has not been reported in individuals with SPTAN1-related disorders in the databases available for review. Based on the current evidence, this variant is classified as likely pathogenic for autosomal dominant distal hereditary motor neuronopathy 11.

NM_001130438.3(SPTAN1):c.6080del (p.Asp2027fs)

Gene: SPTAN1 (spectrin alpha, non-erythrocytic 1; plus strand). Cytogenetic location: 9q34.11.
Variant type: Deletion.
Coding change: c.6080del on transcript NM_001130438.3 (MANE Select); coding-DNA position 6080, one base deleted (A; older notation c.6080delA).
Protein change: p.Asp2027fs; shifts the reading frame from aspartic acid 2027.
Molecular consequence: frameshift variant.
Genome position (GRCh38, 1-based): chr9:128,625,779, A deleted. VCF-style (leftmost placement, unchanged base first): chr9-128625778-GA-G. GRCh37 (hg19) VCF-style: chr9-131388057-GA-G.
Other names: c.6005del, p.Asp2002fs (NM_001195532.2, NM_001438441.1, NM_001438444.1); c.6080del, p.Asp2027fs (NM_001363759.2, NM_001375310.1, NM_001375311.2 and 1 more transcripts); c.6020del, p.Asp2007fs (NM_001363765.2, NM_001375314.2, NM_001438442.1); c.6116del, p.Asp2039fs (NM_001375312.2, NM_001375318.1, NM_001438440.1); c.6065del, p.Asp2022fs (NM_001438443.1, NM_001438445.1, NM_003127.4); short protein forms D2002fs, D2007fs, D2022fs, D2027fs, D2039fs.
Identifiers: ClinVar variation 4759243 (VCV004759243.1).